The following is an entry in ClinVar:

NM_022124.6(CDH23):c.6464C>T (p.Ser2155Leu)

Gene: CDH23 (cadherin related 23; plus strand). Cytogenetic location: 10q22.1.
Variant type: single nucleotide variant.
Coding change: c.6464C>T on transcript NM_022124.6 (MANE Select); coding-DNA position 6464, C replaced by T.
Protein change: p.Ser2155Leu; replaces serine 2155 with leucine.
Molecular consequence: missense variant.
Genome position (GRCh38, 1-based): chr10:71,793,392, C>T. VCF-style: chr10-71793392-C-T. GRCh37 (hg19) VCF-style: chr10-73553149-C-T.
Other names: c.6464C>T (NM_022124.5); short protein forms S2155L.
Identifiers: ClinVar variation 2186422 (VCV002186422.3), dbSNP rs757261031, ClinGen allele CA5546091.

ClinVar aggregate classification (germline): Uncertain significance. Review status: criteria provided, multiple submitters, no conflicts (2 of 4 stars). 3 submissions from 3 submitters: Uncertain significance (3). Last evaluated 2021-12-14.

Conditions:
Inborn genetic diseases. Identifiers: MedGen C0950123, MeSH D030342.

Allele frequency attached by ClinVar (database versions not stated): ExAC 0.00001; TOPMed 0.00001.
gnomAD v4.1: 38 of 1,613,874 alleles (0.0024%); highest among the groups gnomAD compares: Non-Finnish European, 0.0025%; no homozygotes.

Submissions (3):

Ambry Genetics
Classification: Uncertain significance for Inborn genetic diseases. Last evaluated: 2021-12-14. Review status: criteria provided, single submitter. Criteria: Ambry Variant Classification Scheme 2023. Collection method: clinical testing. Allele origin: germline.

Labcorp Genetics (formerly Invitae), Labcorp
Classification: Uncertain significance. Last evaluated: 2021-10-13. Review status: criteria provided, single submitter. Criteria: Invitae Variant Classification Sherloc (09022015). Collection method: clinical testing. Allele origin: germline.
Comment: This sequence change replaces serine with leucine at codon 2155 of the CDH23 protein (p.Ser2155Leu). The serine residue is highly conserved and there is a large physicochemical difference between serine and leucine. This variant is present in population databases (rs757261031, ExAC 0.002%). This variant has not been reported in the literature in individuals affected with CDH23-related conditions. Algorithms developed to predict the effect of missense changes on protein structure and function are either unavailable or do not agree on the potential impact of this missense change (SIFT: "Deleterious"; PolyPhen-2: "Not Available"; Align-GVGD: "Class C65"). In summary, the available evidence is currently insufficient to determine the role of this variant in disease. Therefore, it has been classified as a Variant of Uncertain Significance.

Blueprint Genetics
Classification: Uncertain significance. Last evaluated: 2021-09-13. Review status: criteria provided, single submitter. Criteria: ACMG Guidelines, 2015. Collection method: clinical testing. Allele origin: germline.